The following is an entry in ClinVar:

ClinVar aggregate classification (germline): Conflicting classifications of pathogenicity. Review status: criteria provided, conflicting classifications (1 of 4 stars). 2 submissions from 2 submitters: Likely pathogenic (1); Uncertain significance (1). Last evaluated 2024-12-19.

Conditions:
Facioscapulohumeral muscular dystrophy 2 (FSHD2). Also called: MUSCULAR DYSTROPHY, FACIOSCAPULOHUMERAL, TYPE 1B; FACIOSCAPULOHUMERAL MUSCULAR DYSTROPHY 2, DIGENIC; FSHD2, DIGENIC. Identifiers: Orphanet 269, MedGen C1834671, MONDO:0008031, OMIM 158901.

Submissions (2):

Labcorp Genetics (formerly Invitae), Labcorp
Classification: Likely pathogenic for Facioscapulohumeral muscular dystrophy 2. Last evaluated: 2024-12-19. Review status: criteria provided, single submitter. Criteria: Invitae Variant Classification Sherloc (09022015). Collection method: clinical testing. Allele origin: germline.
Comment: This sequence change affects an acceptor splice site in intron 28 of the SMCHD1 gene. It is expected to disrupt RNA splicing. Variants that disrupt the donor or acceptor splice site typically lead to a loss of protein function (PMID: 16199547), and loss-of-function variants in SMCHD1 are known to be pathogenic (PMID: 23143600). This variant is not present in population databases (gnomAD no frequency). This variant has not been reported in the literature in individuals affected with SMCHD1-related conditions. ClinVar contains an entry for this variant (Variation ID: 282005). Algorithms developed to predict the effect of sequence changes on RNA splicing suggest that this variant may disrupt the consensus splice site. In summary, the currently available evidence indicates that the variant is pathogenic, but additional data are needed to prove that conclusively. Therefore, this variant has been classified as Likely Pathogenic.

Eurofins Ntd Llc (ga)
Classification: Uncertain significance. Last evaluated: 2015-08-13. Review status: criteria provided, single submitter. Criteria: EGL Classification Definitions 2015. Collection method: clinical testing. Allele origin: germline. Observed: 1 variant allele, 1 heterozygote.

Literature cited by the submitters: PubMed 16199547 (cited by Labcorp Genetics (formerly Invitae), Labcorp); PubMed 23143600 (cited by Labcorp Genetics (formerly Invitae), Labcorp).

NM_015295.3(SMCHD1):c.3634-1G>C

Gene: SMCHD1 (structural maintenance of chromosomes flexible hinge domain containing 1; plus strand). Cytogenetic location: 18p11.32.
Variant type: single nucleotide variant.
Coding change: c.3634-1G>C on transcript NM_015295.3 (MANE Select); the canonical splice acceptor site of the intron before coding-DNA position 3634, G replaced by C.
Molecular consequence: splice acceptor variant.
Genome position (GRCh38, 1-based): chr18:2,743,760, G>C. VCF-style: chr18-2743760-G-C. GRCh37 (hg19) VCF-style: chr18-2743758-G-C.
Identifiers: ClinVar variation 282005 (VCV000282005.7), dbSNP rs886042282, ClinGen allele CA10604029.